The following is an entry in ClinVar:

ClinVar aggregate classification (germline): Uncertain significance (1 of 4 stars; one submission).

Allele frequency attached by ClinVar (database versions not stated): gnomAD exomes below 0.00001; gnomAD 0.00001.
gnomAD v4.1: 4 of 1,502,724 alleles (0.00027%); highest among the groups gnomAD compares: African/African-American, 0.0057%; no homozygotes.

Submission:

Labcorp Genetics (formerly Invitae), Labcorp
Classification: Uncertain significance. Last evaluated: 2023-12-21. Review status: criteria provided, single submitter. Criteria: Invitae Variant Classification Sherloc (09022015). Collection method: clinical testing. Allele origin: germline.
Comment: This sequence change replaces proline, which is neutral and non-polar, with threonine, which is neutral and polar, at codon 1094 of the PCLO protein (p.Pro1094Thr). This variant is present in population databases (no rsID available, gnomAD 0.01%). This variant has not been reported in the literature in individuals affected with PCLO-related conditions. Experimental studies and prediction algorithms are not available or were not evaluated, and the functional significance of this variant is currently unknown. In summary, the available evidence is currently insufficient to determine the role of this variant in disease. Therefore, it has been classified as a Variant of Uncertain Significance.

NM_033026.6(PCLO):c.3280C>A (p.Pro1094Thr)

Gene: PCLO (piccolo presynaptic cytomatrix protein; minus strand). Cytogenetic location: 7q21.11.
Variant type: single nucleotide variant.
Coding change: c.3280C>A on transcript NM_033026.6 (MANE Select); coding-DNA position 3280, C replaced by A.
Protein change: p.Pro1094Thr; replaces proline 1094 with threonine.
Molecular consequence: missense variant.
Genome position (GRCh38, 1-based): chr7:83,134,270, G>T on the plus strand (C>A on the coding strand, the complement: PCLO is on the minus strand). VCF-style: chr7-83134270-G-T. GRCh37 (hg19) VCF-style: chr7-82763586-G-T.
Other names: c.3280C>A, p.Pro1094Thr (NM_014510.3); short protein forms P1094T.
Identifiers: ClinVar variation 2776807 (VCV002776807.3), dbSNP rs1298942268, ClinGen allele CA367896546.
Genomic context (GRCh38, chr7:83,134,270, plus strand): 5'-CCATATGTAATATATATATATATATATATATATAACTTACCTCAGTCAAATGTGGTGTAG[G>T]GTTAAATCCACAGAGATTACACACTTGATTCTTGCATTCAGTGCAAGTATTGAAGTTAGG-3'
Protein context (NP_149015.2, residues 1084-1104): NQVCNLCGFN[Pro1094Thr]TPHLTEIQEW